The following is an entry in ClinVar:

NM_000260.4(MYO7A):c.1214G>A (p.Arg405Gln)

Gene: MYO7A (myosin VIIA; plus strand). Cytogenetic location: 11q13.5.
Variant type: single nucleotide variant.
Coding change: c.1214G>A on transcript NM_000260.4 (MANE Select); coding-DNA position 1214, G replaced by A.
Protein change: p.Arg405Gln; replaces arginine 405 with glutamine.
Molecular consequence: missense variant.
Genome position (GRCh38, 1-based): chr11:77,160,986, G>A. VCF-style: chr11-77160986-G-A. GRCh37 (hg19) VCF-style: chr11-76872032-G-A.
Other names: c.1214G>A, p.Arg405Gln (NM_001127180.2); c.1181G>A, p.Arg394Gln (NM_001369365.1); c.1214G>A (NM_000260.3); short protein forms R394Q, R405Q.
Identifiers: ClinVar variation 1149748 (VCV001149748.11), dbSNP rs200844919, ClinGen allele CA6197427.

ClinVar aggregate classification (germline): Conflicting classifications of pathogenicity. Review status: criteria provided, conflicting classifications (1 of 4 stars). 3 submissions from 3 submitters: Uncertain significance (2); Likely benign (1). Last evaluated 2026-09-21.

Conditions:
MYO7A-related disorder. Also called: MYO7A-related disorders.

Allele frequency attached by ClinVar (database versions not stated): 1000 Genomes Project 0.00100; gnomAD exomes 0.00003 and 0.00016; gnomAD 0.00006 and 0.00008; TOPMed 0.00009; ExAC 0.00021; 1000 Genomes Project 30x 0.00062.

Submissions (3):

PreventionGenetics, part of Exact Sciences
Classification: Uncertain significance for MYO7A-related condition. Last evaluated: 2026-09-21. Review status: criteria provided, single submitter. Criteria: ACMG Guidelines, 2015. Collection method: clinical testing. Allele origin: germline.
Comment: The MYO7A c.1214G>A variant is predicted to result in the amino acid substitution p.Arg405Gln. This variant was reported in compound heterozygous state with second MYO7A variant in a newborn with normal hearing but genetically positive results for hearing loss as determined by authors (Table S5, Hao et al. 2024. PubMed ID: 39443691). This variant is reported in 0.22% of alleles in individuals of East Asian descent in gnomAD. Although we suspect that this variant may be benign, at this time, the clinical significance of this variant is uncertain due to the absence of conclusive functional and genetic evidence.

Labcorp Genetics (formerly Invitae), Labcorp
Classification: Likely benign. Last evaluated: 2026-01-28. Review status: criteria provided, single submitter. Criteria: Invitae Variant Classification Sherloc (09022015). Collection method: clinical testing. Allele origin: germline.

Blueprint Genetics
Classification: Uncertain significance. Last evaluated: 2024-07-30. Review status: criteria provided, single submitter. Criteria: ACMG Guidelines, 2015. Collection method: clinical testing. Allele origin: germline.